The following is an entry in ClinVar:

NM_000123.4(ERCC5):c.3026G>A (p.Arg1009His)

Genes: BIVM-ERCC5 (BIVM-ERCC5 readthrough; plus strand), ERCC5 (ERCC excision repair 5, endonuclease; plus strand). Cytogenetic location: 13q33.1.
Variant type: single nucleotide variant.
Coding change: c.3026G>A on transcript NM_000123.4 (MANE Select); coding-DNA position 3026, G replaced by A.
Protein change: p.Arg1009His; replaces arginine 1009 with histidine.
Molecular consequence: missense variant.
Genome position (GRCh38, 1-based): chr13:102,875,368, G>A. VCF-style: chr13-102875368-G-A. GRCh37 (hg19) VCF-style: chr13-103527718-G-A.
Other names: c.4388G>A, p.Arg1463His (NM_001204425.2); short protein forms R1009H, R1463H.
Identifiers: ClinVar variation 134170 (VCV000134170.3), dbSNP rs4150387, ClinGen allele CA158982.
Genomic context (GRCh38, chr13:102,875,368, plus strand): 5'-CACAGCTCCGAATTGATTCCTTCTTTAGATTAGCACAACAGGAGAAAGAAGATGCTAAAC[G>A]TATTAAGAGCCAGAGACTAAACAGAGCTGTGACATGTATGCTAAGGAAAGAGAAAGAAGC-3'
Protein context (NP_000114.3, residues 999-1019): LAQQEKEDAK[Arg1009His]IKSQRLNRAV

ClinVar aggregate classification (germline): Uncertain significance. Review status: criteria provided, multiple submitters, no conflicts (2 of 4 stars). 3 submissions from 3 submitters: Uncertain significance (2). 1 of the submissions does not count toward it. Last evaluated 2025-08-05.

Conditions:
Hereditary cancer-predisposing syndrome. Also called: Tumor predisposition; Hereditary neoplastic syndrome; Neoplastic Syndromes, Hereditary; Hereditary Cancer Syndrome. Identifiers: Orphanet 140162, MedGen C0027672, MeSH D009386, MONDO:0015356.

Allele frequency attached by ClinVar (database versions not stated): ExAC 0.00017; gnomAD exomes 0.00017; ESP Exome Variant Server 0.00038; gnomAD 0.00046 and 0.00047; TOPMed 0.00046; 1000 Genomes Project 30x 0.00094; 1000 Genomes Project 0.00100.
gnomAD v4.1: 189 of 1,613,868 alleles (0.012%); highest among the groups gnomAD compares: African/African-American, 0.15%; no homozygotes.

Submissions (3):

GeneDx
Classification: Uncertain significance. Last evaluated: 2025-08-05. Review status: criteria provided, single submitter. Criteria: GeneDx Variant Classification Process June 2021. Collection method: clinical testing. Allele origin: germline. Affected: yes.
Comment: In silico analysis suggests that this missense variant does not alter protein structure/function; This variant is associated with the following publications: (PMID: 24728327)

Sema4
Classification: Uncertain significance for Hereditary cancer-predisposing syndrome. Last evaluated: 2021-12-13. Review status: criteria provided, single submitter. Criteria: Sema4 Curation Guidelines. Collection method: curation. Allele origin: germline.
Comment: The ERCC5 c.3026G>A (p.R1009H) variant has been reported in a cohort of ancestrally diverse healthy individuals (PMID 24728327). This variant was observed in 43/24962 chromosomes in the in African/African American population according to the Genome Aggregation Database (PMID: 32461654). This variant has been reported in ClinVar (Variation ID 134170). In silico tools suggest the impact of the variant on protein function is benign, though these predictions have not been confirmed by functional studies. The overall evidence is insufficient to meet ACMG/AMP criteria for classifying it as benign or pathogenic. In summary, the clinical significance of this variant is currently uncertain.

ITMI
No classification provided. Condition: AllHighlyPenetrant. Last evaluated: 2013-09-19. Review status: no classification provided. Collection method: reference population. Allele origin: germline. Not counted in ClinVar's aggregate classification.
Comment: Please see associated publication for description of ethnicities

Literature cited by the submitters: PubMed 24728327 (cited by Sema4 and ITMI).